The following is an entry in ClinVar:

NM_001278116.2(L1CAM):c.130C>T (p.Arg44Cys)

Gene: L1CAM (L1 cell adhesion molecule; minus strand). Cytogenetic location: Xq28.
Variant type: single nucleotide variant.
Coding change: c.130C>T on transcript NM_001278116.2 (MANE Select); coding-DNA position 130, C replaced by T.
Protein change: p.Arg44Cys; replaces arginine 44 with cysteine.
Molecular consequence: missense variant.
Genome position (GRCh38, 1-based): chrX:153,872,659, G>A on the plus strand (C>T on the coding strand, the complement: L1CAM is on the minus strand). VCF-style: chrX-153872659-G-A. GRCh37 (hg19) VCF-style: chrX-153138114-G-A.
Other names: c.130C>T, p.Arg44Cys (NM_000425.5, NM_024003.3); c.115C>T, p.Arg39Cys (NM_001143963.2); short protein forms R44C, R39C.
Identifiers: ClinVar variation 965828 (VCV000965828.9), dbSNP rs370782270, ClinGen allele CA10554658.

ClinVar aggregate classification (germline): Uncertain significance. Review status: criteria provided, multiple submitters, no conflicts (2 of 4 stars). 2 submissions from 2 submitters: Uncertain significance (2). Last evaluated 2024-12-31.

Conditions:
Inborn genetic diseases. Identifiers: MedGen C0950123, MeSH D030342.
Spastic paraplegia. Identifiers: MedGen C0037772, HP:0001258.

Allele frequency attached by ClinVar (database versions not stated): gnomAD exomes below 0.00001; TOPMed 0.00001.
gnomAD v4.1: 4 of 1,208,603 alleles (0.00033%); highest among the groups gnomAD compares: African/African-American, 0.0035%; no homozygotes.

Submissions (2):

Ambry Genetics
Classification: Uncertain significance for Inborn genetic diseases. Last evaluated: 2024-12-31. Review status: criteria provided, single submitter. Criteria: Ambry Variant Classification Scheme 2023. Collection method: clinical testing. Allele origin: germline.

Labcorp Genetics (formerly Invitae), Labcorp
Classification: Uncertain significance for Spastic paraplegia. Last evaluated: 2022-09-01. Review status: criteria provided, single submitter. Criteria: Invitae Variant Classification Sherloc (09022015). Collection method: clinical testing. Allele origin: germline.
Comment: This sequence change replaces arginine, which is basic and polar, with cysteine, which is neutral and slightly polar, at codon 44 of the L1CAM protein (p.Arg44Cys). This variant is present in population databases (rs370782270, gnomAD 0.001%), including at least one homozygous and/or hemizygous individual. This variant has not been reported in the literature in individuals affected with L1CAM-related conditions. ClinVar contains an entry for this variant (Variation ID: 965828). Algorithms developed to predict the effect of missense changes on protein structure and function are either unavailable or do not agree on the potential impact of this missense change (SIFT: "Deleterious"; PolyPhen-2: "Probably Damaging"; Align-GVGD: "Class C15"). Algorithms developed to predict the effect of sequence changes on RNA splicing suggest that this variant may create or strengthen a splice site. In summary, the available evidence is currently insufficient to determine the role of this variant in disease. Therefore, it has been classified as a Variant of Uncertain Significance.